The following is an entry in ClinVar:

ClinVar aggregate classification (germline): Uncertain significance (1 of 4 stars; one submission).

Conditions:
Familial temporal lobe epilepsy 7. Identifiers: Orphanet 101046, MedGen C4225327, MONDO:0014639, OMIM 616436.
Norman-Roberts syndrome (LIS2). Also called: Lissencephaly 2 (Norman-Roberts type). Identifiers: Orphanet 89844, MedGen C0796089, MONDO:0009760, OMIM 257320.

Submission:

Labcorp Genetics (formerly Invitae), Labcorp
Classification: Uncertain significance for Familial temporal lobe epilepsy 7; Norman-Roberts syndrome. Last evaluated: 2023-06-18. Review status: criteria provided, single submitter. Criteria: Invitae Variant Classification Sherloc (09022015). Collection method: clinical testing. Allele origin: germline.
Comment: This variant has not been reported in the literature in individuals affected with RELN-related conditions. In summary, the available evidence is currently insufficient to determine the role of this variant in disease. Therefore, it has been classified as a Variant of Uncertain Significance. Advanced modeling of protein sequence and biophysical properties (such as structural, functional, and spatial information, amino acid conservation, physicochemical variation, residue mobility, and thermodynamic stability) performed at Invitae indicates that this missense variant is not expected to disrupt RELN protein function. This variant is not present in population databases (gnomAD no frequency). This sequence change replaces valine, which is neutral and non-polar, with alanine, which is neutral and non-polar, at codon 306 of the RELN protein (p.Val306Ala).

NM_005045.4(RELN):c.917T>C (p.Val306Ala)

Gene: RELN (reelin; minus strand). Cytogenetic location: 7q22.1.
Variant type: single nucleotide variant.
Coding change: c.917T>C on transcript NM_005045.4 (MANE Select); coding-DNA position 917, T replaced by C.
Protein change: p.Val306Ala; replaces valine 306 with alanine.
Molecular consequence: missense variant.
Genome position (GRCh38, 1-based): chr7:103,698,079, A>G on the plus strand (T>C on the coding strand, the complement: RELN is on the minus strand). VCF-style: chr7-103698079-A-G. GRCh37 (hg19) VCF-style: chr7-103338526-A-G.
Other names: c.917T>C, p.Val306Ala (NM_173054.3); short protein forms V306A.
Identifiers: ClinVar variation 2948997 (VCV002948997.3), dbSNP rs1834016439, ClinGen allele CA368927893.